The following is an entry in ClinVar:

ClinVar aggregate classification (germline): Uncertain significance (1 of 4 stars; one submission).

Conditions:
Familial intrahepatic cholestasis. Identifiers: Orphanet 284385, MedGen CN296401, MONDO:0017290.

Submission:

Genomenon, Inc
Classification: Uncertain significance for Familial intrahepatic cholestasis. Last evaluated: 2026-04-14. Review status: criteria provided, single submitter. Criteria: Genomenon Sequence Variant Interpretation Standards - Updated. Collection method: curation. Allele origin: germline. Affected: yes.
Comment: ABCB4 p.Leu158Gln (c.473T>A) is a missense variant that changes the amino acid at residue 158 from Leucine to Glutamine. This variant has been observed in at least one proband with an ABCB4-related disorder (PMID:38610052). It is absent or not present at a significant frequency in gnomAD. In silico models predict that this variant is possibly or probably damaging. In conclusion, we classify ABCB4 p.Leu158Gln (c.473T>A) as a variant of uncertain significance.

Literature cited by the submitters: PubMed 38610052.

NM_000443.4(ABCB4):c.473T>A (p.Leu158Gln)

Gene: ABCB4 (ATP binding cassette subfamily B member 4; minus strand). Cytogenetic location: 7q21.12.
Variant type: single nucleotide variant.
Coding change: c.473T>A on transcript NM_000443.4 (MANE Select); coding-DNA position 473, T replaced by A.
Protein change: p.Leu158Gln; replaces leucine 158 with glutamine.
Molecular consequence: missense variant.
Genome position (GRCh38, 1-based): chr7:87,453,007, A>T on the plus strand (T>A on the coding strand, the complement: ABCB4 is on the minus strand). VCF-style: chr7-87453007-A-T. GRCh37 (hg19) VCF-style: chr7-87082323-A-T.
Other names: c.473T>A, p.Leu158Gln (NM_018849.3, NM_018850.3); short protein forms L158Q.
Identifiers: ClinVar variation 4846529 (VCV004846529.1).